The following is an entry in ClinVar:

ClinVar aggregate classification (germline): Pathogenic. Review status: criteria provided, multiple submitters, no conflicts (2 of 4 stars). 3 submissions from 3 submitters: Pathogenic (3). Last evaluated 2025-09-03.

Conditions:
Hereditary nonpolyposis colorectal neoplasms. Identifiers: MedGen C0009405, MeSH D003123.
Hereditary cancer-predisposing syndrome. Also called: Neoplastic Syndromes, Hereditary; Hereditary Cancer Syndrome; Hereditary neoplastic syndrome; Tumor predisposition. Identifiers: Orphanet 140162, MedGen C0027672, MeSH D009386, MONDO:0015356.
Lynch syndrome 5 (LYNCH5). Also called: Colorectal cancer, hereditary nonpolyposis, type 5; Hereditary non-polyposis colorectal cancer, type 5. Identifiers: Orphanet 144, MedGen C1833477, MONDO:0013710, OMIM 614350. Disease mechanism: loss of function.

Submissions (3):

Labcorp Genetics (formerly Invitae), Labcorp
Classification: Pathogenic for Hereditary nonpolyposis colorectal neoplasms. Last evaluated: 2025-09-03. Review status: criteria provided, single submitter. Criteria: Invitae Variant Classification Sherloc (09022015). Collection method: clinical testing. Allele origin: germline.
Comment: This sequence change creates a premature translational stop signal (p.Lys920*) in the MSH6 gene. It is expected to result in an absent or disrupted protein product. Loss-of-function variants in MSH6 are known to be pathogenic (PMID: 18269114, 24362816). This variant is not present in population databases (gnomAD no frequency). This variant has not been reported in the literature in individuals affected with MSH6-related conditions. ClinVar contains an entry for this variant (Variation ID: 1457996). For these reasons, this variant has been classified as Pathogenic.

Ambry Genetics
Classification: Pathogenic for Hereditary cancer-predisposing syndrome. Last evaluated: 2025-02-26. Review status: criteria provided, single submitter. Criteria: Ambry Variant Classification Scheme 2023. Collection method: clinical testing. Allele origin: germline.
Comment: The p.K920* pathogenic mutation (also known as c.2758A>T), located in coding exon 4 of the MSH6 gene, results from an A to T substitution at nucleotide position 2758. This changes the amino acid from a lysine to a stop codon within coding exon 4. This alteration is expected to result in loss of function by premature protein truncation or nonsense-mediated mRNA decay. As such, this alteration is interpreted as a disease-causing mutation.

Myriad Genetics, Inc.
Classification: Pathogenic for Lynch syndrome 5. Last evaluated: 2023-08-18. Review status: criteria provided, single submitter. Criteria: Myriad Autosomal Dominant, Autosomal Recessive and X-Linked Classification Criteria (2023). Collection method: clinical testing. Allele origin: unknown.
Comment: This variant is considered pathogenic. This variant creates a termination codon and is predicted to result in premature protein truncation.

Literature cited by the submitters: PubMed 18269114 (cited by Labcorp Genetics (formerly Invitae), Labcorp); PubMed 24362816 (cited by Labcorp Genetics (formerly Invitae), Labcorp).

NM_000179.3(MSH6):c.2758A>T (p.Lys920Ter)

Gene: MSH6 (mutS homolog 6; plus strand). Cytogenetic location: 2p16.3.
Variant type: single nucleotide variant.
Coding change: c.2758A>T on transcript NM_000179.3 (MANE Select); coding-DNA position 2758, A replaced by T.
Protein change: p.Lys920Ter; replaces lysine 920 with a stop codon.
Molecular consequence: nonsense.
Genome position (GRCh38, 1-based): chr2:47,800,741, A>T. VCF-style: chr2-47800741-A-T. GRCh37 (hg19) VCF-style: chr2-48027880-A-T.
Other names: c.2758A>T (NM_000179.2); c.2368A>T, p.Lys790Ter (NM_001281492.2); c.1852A>T, p.Lys618Ter (NM_001281493.2, NM_001281494.2); short protein forms K920*, K618*, K790*.
Identifiers: ClinVar variation 1457996 (VCV001457996.8), dbSNP rs2104422674, ClinGen allele CA346755434.